The following is an entry in ClinVar:

ClinVar aggregate classification (germline): Uncertain significance (1 of 4 stars; one submission).

Submission:

Women's Health and Genetics/Laboratory Corporation of America, LabCorp
Classification: Uncertain significance. Last evaluated: 2022-09-29. Review status: criteria provided, single submitter. Criteria: LabCorp Variant Classification Summary - May 2015. Collection method: clinical testing. Allele origin: germline.
Comment: Variant summary: ERBB4 c.421G>C (p.Glu141Gln) results in a conservative amino acid change located in the Receptor L-domain (IPR000494) of the encoded protein sequence. Three of five in-silico tools predict a damaging effect of the variant on protein function. Several computational tools predict a significant impact on normal splicing: Three predict the variant weakens a canonical 5' donor site and one predicts the variant abolishes the 5' splicing donor site. However, these predictions have yet to be confirmed by functional studies. The variant was absent in 250440 control chromosomes (gnomAD). The available data on variant occurrences in the general population are insufficient to allow any conclusion about variant significance. To our knowledge, no occurrence of c.421G>C in individuals affected with Amyotrophic Lateral Sclerosis and no experimental evidence demonstrating its impact on protein function have been reported. No clinical diagnostic laboratories have submitted clinical-significance assessments for this variant to ClinVar after 2014. Based on the evidence outlined above, the variant was classified as uncertain significance.

NM_005235.3(ERBB4):c.421G>C (p.Glu141Gln)

Gene: ERBB4 (erb-b2 receptor tyrosine kinase 4; minus strand). Cytogenetic location: 2q34.
Variant type: single nucleotide variant.
Coding change: c.421G>C on transcript NM_005235.3 (MANE Select); coding-DNA position 421, G replaced by C.
Protein change: p.Glu141Gln; replaces glutamic acid 141 with glutamine.
Molecular consequence: missense variant.
Genome position (GRCh38, 1-based): chr2:211,947,430, C>G on the plus strand (G>C on the coding strand, the complement: ERBB4 is on the minus strand). VCF-style: chr2-211947430-C-G. GRCh37 (hg19) VCF-style: chr2-212812155-C-G.
Other names: c.421G>C, p.Glu141Gln (NM_001042599.2); short protein forms E141Q.
Identifiers: ClinVar variation 1722408 (VCV001722408.1), dbSNP rs2125137470, ClinGen allele CA350781928.